The following is an entry in ClinVar:

ClinVar aggregate classification (germline): Conflicting classifications of pathogenicity. Review status: criteria provided, conflicting classifications (1 of 4 stars). 3 submissions from 3 submitters: Uncertain significance (1); Benign (1); Likely benign (1). Last evaluated 2024-09-09.

Conditions:
Inborn genetic diseases. Identifiers: MedGen C0950123, MeSH D030342.
X-linked distal spinal muscular atrophy type 3. Also called: ATP7A-Related Distal Motor Neuropathy; SPINAL MUSCULAR ATROPHY, DISTAL, X-LINKED RECESSIVE; NEURONOPATHY, DISTAL HEREDITARY MOTOR, X-LINKED; NEUROPATHY, DISTAL HEREDITARY MOTOR, X-LINKED. Identifiers: Orphanet 139557, MedGen C1845359, MONDO:0010338, OMIM 300489.
Menkes kinky-hair syndrome (MNK). Also called: Copper transport disease; Menkes Disease; Classic Menkes Disease. Identifiers: Orphanet 565, MedGen C0022716, MONDO:0010651, OMIM 309400.
Cutis laxa, X-linked (OHS). Also called: EDS IX; Occipital horn syndrome. Identifiers: Orphanet 198, MedGen C0268353, MONDO:0010572, OMIM 304150.

Allele frequency attached by ClinVar (database versions not stated): gnomAD exomes 0.00004; gnomAD 0.00005 and 0.00006; TOPMed 0.00006; ESP Exome Variant Server 0.00009.
gnomAD v4.1: 44 of 1,210,063 alleles (0.0036%); highest among the groups gnomAD compares: African/African-American, 0.007%; no homozygotes.

Submissions (3):

Labcorp Genetics (formerly Invitae), Labcorp
Classification: Likely benign for X-linked distal spinal muscular atrophy type 3; Cutis laxa, X-linked; Menkes kinky-hair syndrome. Last evaluated: 2024-09-09. Review status: criteria provided, single submitter. Criteria: Invitae Variant Classification Sherloc (09022015). Collection method: clinical testing. Allele origin: germline.

GeneDx
Classification: Uncertain significance. Last evaluated: 2024-04-02. Review status: criteria provided, single submitter. Criteria: GeneDx Variant Classification Process June 2021. Collection method: clinical testing. Allele origin: germline. Affected: yes.
Comment: In silico analysis supports that this missense variant does not alter protein structure/function; Has not been previously published as pathogenic or benign to our knowledge

Ambry Genetics
Classification: Benign for Inborn genetic diseases. Last evaluated: 2024-01-04. Review status: criteria provided, single submitter. Criteria: Ambry Variant Classification Scheme 2023. Collection method: clinical testing. Allele origin: germline.

NM_000052.7(ATP7A):c.824A>G (p.Asn275Ser)

Gene: ATP7A (ATPase copper transporting alpha; plus strand). Cytogenetic location: Xq21.1.
Variant type: single nucleotide variant.
Coding change: c.824A>G on transcript NM_000052.7 (MANE Select); coding-DNA position 824, A replaced by G.
Protein change: p.Asn275Ser; replaces asparagine 275 with serine.
Molecular consequence: missense variant.
Genome position (GRCh38, 1-based): chrX:77,989,446, A>G. VCF-style: chrX-77989446-A-G. GRCh37 (hg19) VCF-style: chrX-77244942-A-G.
Other names: c.824A>G, p.Asn275Ser (NM_001282224.2); short protein forms N275S.
Identifiers: ClinVar variation 1128159 (VCV001128159.12), dbSNP rs368147403, ClinGen allele CA10458960.